The following is an entry in ClinVar:

NM_001267550.2(TTN):c.93600dup (p.Phe31201fs)

Genes: TTN-AS1 (TTN antisense RNA 1; plus strand), TTN (titin; minus strand). Cytogenetic location: 2q31.2.
Variant type: Duplication.
Coding change: c.93600dup on transcript NM_001267550.2 (MANE Select); coding-DNA position 93600, one base duplicated (C; older notation c.93600dupC).
Protein change: p.Phe31201fs; shifts the reading frame from phenylalanine 31201.
Molecular consequence: frameshift variant.
Genome position (GRCh38, 1-based): chr2:178,548,026, G duplicated on the plus strand (C on the coding strand, the reverse complement: TTN is on the minus strand); the first of 2 consecutive G bases (chr2:178,548,026-178,548,027); duplicating either gives the same sequence. VCF-style (leftmost placement, unchanged base first): chr2-178548025-A-AG. GRCh37 (hg19) VCF-style: chr2-179412752-A-AG.
Other names: c.88677dup, p.Phe29560fs (NM_001256850.1); c.66405dup, p.Phe22136fs (NM_003319.4); c.85896dup, p.Phe28633fs (NM_133378.4); c.66780dup, p.Phe22261fs (NM_133432.3); c.66981dup, p.Phe22328fs (NM_133437.4); short protein forms F22136fs, F22261fs, F22328fs, F28633fs, F29560fs, F31201fs.
Identifiers: ClinVar variation 3755454 (VCV003755454.2).

ClinVar aggregate classification (germline): Likely pathogenic (1 of 4 stars; one submission).

Conditions:
Dilated cardiomyopathy 1G (CMD1G). Identifiers: Orphanet 154, MedGen C1858763, MONDO:0011400, OMIM 604145.
Autosomal recessive limb-girdle muscular dystrophy type 2J (LGMDR10). Also called: Limb-girdle muscular dystrophy, type 2J; MUSCULAR DYSTROPHY, LIMB-GIRDLE, AUTOSOMAL RECESSIVE 10. Identifiers: Orphanet 140922, MedGen C1837342, MONDO:0012127, OMIM 608807.

Submission:

Labcorp Genetics (formerly Invitae), Labcorp
Classification: Likely pathogenic for Dilated cardiomyopathy 1G; Autosomal recessive limb-girdle muscular dystrophy type 2J. Last evaluated: 2024-04-11. Review status: criteria provided, single submitter. Criteria: Invitae Variant Classification Sherloc (09022015). Collection method: clinical testing. Allele origin: germline.
Comment: This sequence change creates a premature translational stop signal (p.Phe31201Leufs*7) in the TTN gene. While this is not anticipated to result in nonsense mediated decay, it is expected to create a truncated TTN protein. This variant is not present in population databases (gnomAD no frequency). This variant has not been reported in the literature in individuals affected with TTN-related conditions. This variant is located in the A band of TTN (PMID: 25589632). Truncating variants in this region are significantly overrepresented in patients affected with dilated cardiomyopathy (PMID: 25589632). Truncating variants in this region have also been reported in individuals affected with autosomal recessive centronuclear myopathy (PMID: 23975875). In summary, the currently available evidence indicates that the variant is pathogenic, but additional data are needed to prove that conclusively. Therefore, this variant has been classified as Likely Pathogenic.

Literature cited by the submitters: PubMed 25589632; PubMed 23975875.